The following is an entry in ClinVar:

ClinVar aggregate classification (germline): Uncertain significance (1 of 4 stars; one submission).

Conditions:
Angelman syndrome (AS). Also called: HAPPY PUPPET SYNDROME. Identifiers: Orphanet 72, MedGen C0162635, MONDO:0007113, OMIM 105830. Disease mechanism: loss of function. Inheritance: AS is caused by disruption of maternally imprinted UBE3A located within the 15q11.2-q13 Angelman syndrome/Prader-Willi syndrome (AS/PWS) region., imprinting disorder.

Allele frequency attached by ClinVar (database versions not stated): gnomAD exomes below 0.00001 and 0.00001; ExAC 0.00002; gnomAD 0.00002; TOPMed 0.00002.
gnomAD v4.1: 4 of 1,612,816 alleles (0.00025%); highest among the groups gnomAD compares: African/African-American, 0.0053%; no homozygotes.

Submission:

Labcorp Genetics (formerly Invitae), Labcorp
Classification: Uncertain significance for Angelman syndrome. Last evaluated: 2021-09-14. Review status: criteria provided, single submitter. Criteria: Invitae Variant Classification Sherloc (09022015). Collection method: clinical testing. Allele origin: germline.
Comment: This sequence change replaces glutamic acid with glycine at codon 685 of the UBE3A protein (p.Glu685Gly). The glutamic acid residue is moderately conserved and there is a moderate physicochemical difference between glutamic acid and glycine. This variant is present in population databases (rs764195093, ExAC 0.02%). This variant has not been reported in the literature in individuals affected with UBE3A-related conditions. Algorithms developed to predict the effect of missense changes on protein structure and function are either unavailable or do not agree on the potential impact of this missense change (SIFT: "Not Available"; PolyPhen-2: "Benign"; Align-GVGD: "Not Available"). In summary, the available evidence is currently insufficient to determine the role of this variant in disease. Therefore, it has been classified as a Variant of Uncertain Significance.

NM_130839.5(UBE3A):c.2114A>G (p.Glu705Gly)

Genes: SNHG14 (small nucleolar RNA host gene 14; plus strand), UBE3A (ubiquitin protein ligase E3A; minus strand). Cytogenetic location: 15q11.2.
Variant type: single nucleotide variant.
Coding change: c.2114A>G on transcript NM_130839.5 (MANE Select); coding-DNA position 2114, A replaced by G.
Protein change: p.Glu705Gly; replaces glutamic acid 705 with glycine.
Molecular consequence: missense variant. On other transcripts: non-coding transcript variant (1), intron variant (1).
Genome position (GRCh38, 1-based): chr15:25,355,902, T>C on the plus strand (A>G on the coding strand, the complement: UBE3A is on the minus strand). VCF-style: chr15-25355902-T-C. GRCh37 (hg19) VCF-style: chr15-25601049-T-C.
Other names: c.2054A>G, p.Glu685Gly (NM_001354506.2, NM_001354507.2, NM_001354508.2 and 16 more transcripts); c.2114A>G, p.Glu705Gly (NM_001354538.2, NM_001354505.1, NM_001354545.2); c.863A>G, p.Glu288Gly (NM_001354550.2); c.803A>G, p.Glu268Gly (NM_001354551.2); c.1899+789A>G (NM_001354549.2); c.2123A>G, p.Glu708Gly (NM_000462.5); c.1937A>G, p.Glu646Gly (NM_001354546.2); short protein forms E268G, E288G, E705G, E708G, E646G, E685G.
Identifiers: ClinVar variation 1519813 (VCV001519813.6), dbSNP rs764195093, ClinGen allele CA7435440.
Genomic context (GRCh38, chr15:25,355,902, plus strand): 5'-TTTGAAAGTGTTAATGAAGAGACAAAATGTGACATAAAAACATTTATTACCTTCCTGTTT[T>C]CATTTGTAATTGGAATTTTATCACCATTTTCCTTTAGATCATACATCATTGGGTTACCAA-3'
Protein context (NP_570854.1, residues 695-715): ENGDKIPITN[Glu705Gly]NRKEFVNLYS